The following is an entry in ClinVar:

ClinVar aggregate classification (germline): Uncertain significance. Review status: criteria provided, multiple submitters, no conflicts (2 of 4 stars). 6 submissions from 6 submitters: Uncertain significance (4). 2 of the submissions do not count toward it. Last evaluated 2025-04-17.

Conditions:
Inborn genetic diseases. Identifiers: MedGen C0950123, MeSH D030342.
3-methylglutaconic aciduria with deafness, encephalopathy, and Leigh-like syndrome (MEGDEL). Also called: 3-METHYLGLUTACONIC ACIDURIA, TYPE VI; MEGDEL syndrome; SERAC1 Deficiency. Identifiers: Orphanet 352328, MedGen C4040739, MONDO:0013875, OMIM 614739.

Allele frequency attached by ClinVar (database versions not stated): gnomAD below 0.00001 and 0.00008; 1000 Genomes Project 30x 0.00047; 1000 Genomes Project 0.00060.
gnomAD v4.1: 150 of 1,613,496 alleles (0.0093%); highest among the groups gnomAD compares: South Asian, 0.16%; no homozygotes.

Submissions (6):

Revvity Omics, Revvity
Classification: Uncertain significance for 3-methylglutaconic aciduria with deafness, encephalopathy, and Leigh-like syndrome. Last evaluated: 2025-04-17. Review status: criteria provided, single submitter. Criteria: ACMG Guidelines, 2015. Collection method: clinical testing. Allele origin: germline.

Ambry Genetics
Classification: Uncertain significance for Inborn genetic diseases. Last evaluated: 2025-03-27. Review status: criteria provided, single submitter. Criteria: Ambry Variant Classification Scheme 2023. Collection method: clinical testing. Allele origin: germline.

Blueprint Genetics
Classification: Uncertain significance. Last evaluated: 2024-03-25. Review status: criteria provided, single submitter. Criteria: ACMG Guidelines, 2015. Collection method: clinical testing. Allele origin: germline.

Labcorp Genetics (formerly Invitae), Labcorp
Classification: Uncertain significance for 3-methylglutaconic aciduria with deafness, encephalopathy, and Leigh-like syndrome. Last evaluated: 2023-12-15. Review status: criteria provided, single submitter. Criteria: Invitae Variant Classification Sherloc (09022015). Collection method: clinical testing. Allele origin: germline.
Comment: This sequence change replaces leucine, which is neutral and non-polar, with arginine, which is basic and polar, at codon 189 of the SERAC1 protein (p.Leu189Arg). This variant is present in population databases (rs576602246, gnomAD 0.1%). This variant has not been reported in the literature in individuals affected with SERAC1-related conditions. ClinVar contains an entry for this variant (Variation ID: 559308). Advanced modeling of protein sequence and biophysical properties (such as structural, functional, and spatial information, amino acid conservation, physicochemical variation, residue mobility, and thermodynamic stability) performed at Invitae indicates that this missense variant is not expected to disrupt SERAC1 protein function with a negative predictive value of 80%. In summary, the available evidence is currently insufficient to determine the role of this variant in disease. Therefore, it has been classified as a Variant of Uncertain Significance.

Mayo Clinic Laboratories, Mayo Clinic
Classification: Uncertain significance. Last evaluated: 2016-02-25. Review status: no assertion criteria provided. Collection method: clinical testing. Allele origin: unknown. Not counted in ClinVar's aggregate classification.

Hong-Tao Li Lab, Institute of Brain Science and Brain-inspired Research, Shandong First Medical University & Shandong Academy of Medical Sciences China
Classification: Uncertain significance for 3-methylglutaconic aciduria with deafness, encephalopathy, and Leigh-like syndrome. Review status: no assertion criteria provided. Collection method: research. Allele origin: germline. Inheritance: Autosomal recessive inheritance. Affected: yes. Observed: 1 variant allele, 1 homozygote. Not counted in ClinVar's aggregate classification.
Comment: Observed in affected individuals from a Pakistani neurodevelopmental-disorder research cohort of 263 individuals. Classification assigned using the ACMG/AMP framework. Population-frequency evidence: gnomAD AF 0.0001553.

NM_032861.4(SERAC1):c.566T>G (p.Leu189Arg)

Gene: SERAC1 (serine active site containing 1; minus strand). Cytogenetic location: 6q25.3.
Variant type: single nucleotide variant.
Coding change: c.566T>G on transcript NM_032861.4 (MANE Select); coding-DNA position 566, T replaced by G.
Protein change: p.Leu189Arg; replaces leucine 189 with arginine.
Molecular consequence: missense variant. On other transcripts: non-coding transcript variant (1).
Genome position (GRCh38, 1-based): chr6:158,144,342, A>C on the plus strand (T>G on the coding strand, the complement: SERAC1 is on the minus strand). VCF-style: chr6-158144342-A-C. GRCh37 (hg19) VCF-style: chr6-158565374-A-C.
Other names: short protein forms L189R.
Identifiers: ClinVar variation 559308 (VCV000559308.16), dbSNP rs576602246, ClinGen allele CA4071324.